The following is an entry in ClinVar:

NM_004482.4(GALNT3):c.716A>C (p.Tyr239Ser)

Gene: GALNT3 (polypeptide N-acetylgalactosaminyltransferase 3; minus strand). Cytogenetic location: 2q24.3.
Variant type: single nucleotide variant.
Coding change: c.716A>C on transcript NM_004482.4 (MANE Select); coding-DNA position 716, A replaced by C.
Protein change: p.Tyr239Ser; replaces tyrosine 239 with serine.
Molecular consequence: missense variant.
Genome position (GRCh38, 1-based): chr2:165,762,027, T>G on the plus strand (A>C on the coding strand, the complement: GALNT3 is on the minus strand). VCF-style: chr2-165762027-T-G. GRCh37 (hg19) VCF-style: chr2-166618537-T-G.
Other names: short protein forms Y239S.
Identifiers: ClinVar variation 1518037 (VCV001518037.5), dbSNP rs1326882498, ClinGen allele CA349040298.
Genomic context (GRCh38, chr2:165,762,027, plus strand): 5'-GTGATCAGACCTTTTCTTTCTCTTTGTCTGACTATTTTTACTATAGAAAATTGTTTTACA[T>G]ATTCATCTAGTTTATCATGTAAGTACTCTGTAAGGAAAAAAAATCAGGGTTAATTCTTTC-3'
Protein context (NP_004473.2, residues 229-249): DEYLHDKLDE[Tyr239Ser]VKQFSIVKIV

ClinVar aggregate classification (germline): Uncertain significance (1 of 4 stars; one submission).

Allele frequency attached by ClinVar (database versions not stated): gnomAD exomes below 0.00001; gnomAD 0.00002; TOPMed 0.00002.
gnomAD v4.1: 9 of 1,585,104 alleles (0.00057%); highest among the groups gnomAD compares: Non-Finnish European, 0.00069%; no homozygotes.

Submission:

Labcorp Genetics (formerly Invitae), Labcorp
Classification: Uncertain significance. Last evaluated: 2021-09-24. Review status: criteria provided, single submitter. Criteria: Invitae Variant Classification Sherloc (09022015). Collection method: clinical testing. Allele origin: germline.
Comment: This sequence change replaces tyrosine with serine at codon 239 of the GALNT3 protein (p.Tyr239Ser). The tyrosine residue is highly conserved and there is a large physicochemical difference between tyrosine and serine. This variant is not present in population databases (ExAC no frequency). This variant has not been reported in the literature in individuals with GALNT3-related conditions. Algorithms developed to predict the effect of missense changes on protein structure and function (SIFT, PolyPhen-2, Align-GVGD) all suggest that this variant is likely to be disruptive, but these predictions have not been confirmed by published functional studies and their clinical significance is uncertain. In summary, the available evidence is currently insufficient to determine the role of this variant in disease. Therefore, it has been classified as a Variant of Uncertain Significance.